The following is an entry in ClinVar:

NM_152296.5(ATP1A3):c.2264-3C>T

Gene: ATP1A3 (ATPase Na+/K+ transporting subunit alpha 3; minus strand). Cytogenetic location: 19q13.2.
Variant type: single nucleotide variant.
Coding change: c.2264-3C>T on transcript NM_152296.5 (MANE Select); 3 bases into the intron before coding-DNA position 2264, C replaced by T.
Molecular consequence: intron variant.
Genome position (GRCh38, 1-based): chr19:41,970,545, G>A on the plus strand (C>T on the coding strand, the complement: ATP1A3 is on the minus strand). VCF-style: chr19-41970545-G-A. GRCh37 (hg19) VCF-style: chr19-42474697-G-A.
Other names: c.2303-3C>T (NM_001256214.2); c.2297-3C>T (NM_001256213.2).
Identifiers: ClinVar variation 4175153 (VCV004175153.1).

ClinVar aggregate classification (germline): Uncertain significance (1 of 4 stars; one submission).

Conditions:
Inborn genetic diseases. Identifiers: MedGen C0950123, MeSH D030342.

gnomAD v4.1: 1 of 1,613,928 alleles (0.000062%); highest among the groups gnomAD compares: South Asian, 0.0011%; no homozygotes.

Submission:

Ambry Genetics
Classification: Uncertain significance for Inborn genetic diseases. Last evaluated: 2025-08-18. Review status: criteria provided, single submitter. Criteria: Ambry Variant Classification Scheme 2023. Collection method: clinical testing. Allele origin: germline.
Comment: The c.2264-3C>T intronic alteration consists of a C to T substitution 3 nucleotides before coding exon 17 in the ATP1A3 gene. Based on insufficient or conflicting evidence, the clinical significance of this alteration remains unclear.